The following is an entry in ClinVar:

ClinVar aggregate classification (germline): Likely benign (1 of 4 stars; one submission).

Allele frequency attached by ClinVar (database versions not stated): 1000 Genomes Project 30x 0.00062; 1000 Genomes Project 0.00080; gnomAD exomes 0.00353; ExAC 0.00431; gnomAD 0.00253; TOPMed 0.00257.
gnomAD v4.1: 2,328 of 702,588 alleles (0.33%); highest among the groups gnomAD compares: Non-Finnish European, 0.45%; 11 homozygotes.

Submission:

CeGaT Center for Human Genetics Tuebingen
Classification: Likely benign. Last evaluated: 2022-07-01. Review status: criteria provided, single submitter. Criteria: CeGaT Center For Human Genetics Tuebingen Variant Classification Criteria Version 2. Collection method: clinical testing. Allele origin: germline. Affected: yes. Observed: 1 variant allele.
Comment: ANKFN1: BS2

NM_001370326.1(ANKFN1):c.2342C>A (p.Thr781Asn)

Gene: ANKFN1 (ankyrin repeat and fibronectin type III domain containing 1; plus strand). Cytogenetic location: 17q22.
Variant type: single nucleotide variant.
Coding change: c.2342C>A on transcript NM_001370326.1 (MANE Select); coding-DNA position 2342, C replaced by A.
Protein change: p.Thr781Asn; replaces threonine 781 with asparagine.
Molecular consequence: missense variant.
Genome position (GRCh38, 1-based): chr17:56,492,268, C>A. VCF-style: chr17-56492268-C-A. GRCh37 (hg19) VCF-style: chr17-54569629-C-A.
Other names: c.2138C>A, p.Thr713Asn (NM_001365758.1); short protein forms T713N, T781N.
Identifiers: ClinVar variation 2647948 (VCV002647948.24), dbSNP rs546366691, ClinGen allele CA8663037.